The following is an entry in ClinVar:

NM_004006.3(DMD):c.5074A>C (p.Thr1692Pro)

Gene: DMD (dystrophin; minus strand). Cytogenetic location: Xp21.1.
Variant type: single nucleotide variant.
Coding change: c.5074A>C on transcript NM_004006.3 (MANE Select); coding-DNA position 5074, A replaced by C.
Protein change: p.Thr1692Pro; replaces threonine 1692 with proline.
Molecular consequence: missense variant.
Genome position (GRCh38, 1-based): chrX:32,364,662, T>G on the plus strand (A>C on the coding strand, the complement: DMD is on the minus strand). VCF-style: chrX-32364662-T-G. GRCh37 (hg19) VCF-style: chrX-32382779-T-G.
Other names: c.5050A>C, p.Thr1684Pro (NM_000109.4); c.5062A>C, p.Thr1688Pro (NM_004009.3); c.4705A>C, p.Thr1569Pro (NM_004010.3); c.1051A>C, p.Thr351Pro (NM_004011.4); c.1042A>C, p.Thr348Pro (NM_004012.4); short protein forms T1692P, T348P, T1569P, T1688P, T351P, T1684P.
Identifiers: ClinVar variation 4749590 (VCV004749590.1).
Genomic context (GRCh38, chrX:32,364,662, plus strand): 5'-GCTGGGGTTTCTTTTTCTCTGATTCATCCAAAAGTGTGTCAGCCTGAATGATCCACTTTG[T>G]GATGTGGTCCACATTCTGGTCAAAAGTTTCCATGTGTTTCTGGTATTCCTTAATTGTACA-3'
Protein context (NP_003997.2, residues 1682-1702): ETFDQNVDHI[Thr1692Pro]KWIIQADTLL

ClinVar aggregate classification (germline): Uncertain significance (1 of 4 stars; one submission).

Conditions:
Duchenne muscular dystrophy (DMD). Also called: MUSCULAR DYSTROPHY, PSEUDOHYPERTROPHIC PROGRESSIVE, DUCHENNE TYPE; Duchenne Muscular Dystrophy (DMD). Identifiers: Orphanet 98896, MedGen C0013264, MONDO:0010679, OMIM 310200.

Submission:

Labcorp Genetics (formerly Invitae), Labcorp
Classification: Uncertain significance for Duchenne muscular dystrophy. Last evaluated: 2025-06-24. Review status: criteria provided, single submitter. Criteria: Invitae Variant Classification Sherloc (09022015). Collection method: clinical testing. Allele origin: germline.
Comment: This sequence change replaces threonine, which is neutral and polar, with proline, which is neutral and non-polar, at codon 1692 of the DMD protein (p.Thr1692Pro). This variant is not present in population databases (gnomAD no frequency). This variant has not been reported in the literature in individuals affected with DMD-related conditions. Invitae Evidence Modeling of protein sequence and biophysical properties (such as structural, functional, and spatial information, amino acid conservation, physicochemical variation, residue mobility, and thermodynamic stability) indicates that this missense variant is not expected to disrupt DMD protein function with a negative predictive value of 95%. In summary, the available evidence is currently insufficient to determine the role of this variant in disease. Therefore, it has been classified as a Variant of Uncertain Significance.